The following is an entry in ClinVar:

NM_000169.3(GLA):c.471G>C (p.Gln157His)

Genes: GLA (galactosidase alpha; minus strand), RPL36A-HNRNPH2 (RPL36A-HNRNPH2 readthrough; plus strand). Cytogenetic location: Xq22.1.
Variant type: single nucleotide variant.
Coding change: c.471G>C on transcript NM_000169.3 (MANE Select); coding-DNA position 471, G replaced by C.
Protein change: p.Gln157His; replaces glutamine 157 with histidine.
Molecular consequence: missense variant. On other transcripts: non-coding transcript variant (3), intron variant (2).
Genome position (GRCh38, 1-based): chrX:101,401,708, C>G on the plus strand (G>C on the coding strand, the complement: GLA is on the minus strand). VCF-style: chrX-101401708-C-G. GRCh37 (hg19) VCF-style: chrX-100656696-C-G.
Other names: c.594G>C, p.Gln198His (NM_001406747.1, NM_001406749.1); c.471G>C, p.Gln157His (NM_001406748.1); c.300+6251C>G (NM_001199973.2); c.177+9886C>G (NM_001199974.2); short protein forms Q157H, Q198H.
Identifiers: ClinVar variation 4087381 (VCV004087381.2).

ClinVar aggregate classification (germline): Uncertain significance (1 of 4 stars; one submission).

Conditions:
Fabry disease. Also called: ALPHA-GALACTOSIDASE A DEFICIENCY; ANDERSON-FABRY DISEASE; CERAMIDE TRIHEXOSIDASE DEFICIENCY; GLA DEFICIENCY; HEREDITARY DYSTOPIC LIPIDOSIS; Angiokeratoma corporis diffusum. Identifiers: Orphanet 324, MedGen C0002986, MONDO:0010526, OMIM 301500, HP:0001071. Disease mechanism: Fabry disease is due to inactivating mutations in the X-linked GLA gene resulting in deficiency of the enzyme Alpha Galactosidase-A., loss of function.

Submission:

Genomenon, Inc
Classification: Uncertain significance for Fabry disease. Last evaluated: 2026-09-08. Review status: criteria provided, single submitter. Criteria: Genomenon Sequence Variant Interpretation Standards - Updated. Collection method: curation. Allele origin: germline. Affected: yes.
Comment: GLA p.Gln157His (c.471G>C) is a missense variant that changes the amino acid at codon 157 from Glutamine to Histidine. This variant has been observed in at least one proband with clinical features consistent with Fabry disease (PMID:30506669). Functional or patient cell studies have been reported (PMID:30506669). It is absent or not present at a significant frequency in gnomAD. In silico models predict that this variant is possibly or probably damaging. In conclusion, we classify GLA p.Gln157His (c.471G>C) as a variant of uncertain significance.

Literature cited by the submitters: PubMed 30506669.